The following is an entry in ClinVar:

NM_000057.4(BLM):c.428C>A (p.Ser143Tyr)

Gene: BLM (BLM RecQ like helicase; plus strand). Cytogenetic location: 15q26.1.
Variant type: single nucleotide variant.
Coding change: c.428C>A on transcript NM_000057.4 (MANE Select); coding-DNA position 428, C replaced by A.
Protein change: p.Ser143Tyr; replaces serine 143 with tyrosine.
Molecular consequence: missense variant. On other transcripts: 5 prime UTR variant (1).
Genome position (GRCh38, 1-based): chr15:90,749,696, C>A. VCF-style: chr15-90749696-C-A. GRCh37 (hg19) VCF-style: chr15-91292926-C-A.
Other names: c.428C>A, p.Ser143Tyr (NM_001287246.2, NM_001287247.2); c.-864C>A (NM_001287248.2); c.428C>A (NM_000057.2); short protein forms S143Y.
Identifiers: ClinVar variation 864406 (VCV000864406.18), dbSNP rs1488217859, ClinGen allele CA393840528.
Genomic context (GRCh38, chr15:90,749,696, plus strand): 5'-AAAACACACCAACTGTAAAGAAATCCCGGGATACTGCTCTCAAGAAATTAGAATTTAGTT[C>A]TTCACCAGATTCTTTAAGTACCATCAATGATTGGGATGATATGGATGACTTTGATACTTC-3'
Protein context (NP_000048.1, residues 133-153): DTALKKLEFS[Ser143Tyr]SPDSLSTIND

ClinVar aggregate classification (germline): Uncertain significance. Review status: criteria provided, multiple submitters, no conflicts (2 of 4 stars). 4 submissions from 4 submitters: Uncertain significance (2). 2 of the submissions do not count toward it. Last evaluated 2024-04-24.

Conditions:
BLM-related disorder. Also called: BLM-related condition.
Hereditary cancer-predisposing syndrome. Also called: Hereditary Cancer Syndrome; Tumor predisposition; Neoplastic Syndromes, Hereditary; Hereditary neoplastic syndrome. Identifiers: Orphanet 140162, MedGen C0027672, MeSH D009386, MONDO:0015356.
Bloom syndrome (BLM). Also called: Bloom-Torre-Machacek syndrome. Identifiers: Orphanet 125, MedGen C0005859, MONDO:0008876, OMIM 210900.

Allele frequency attached by ClinVar (database versions not stated): gnomAD exomes below 0.00001; TOPMed 0.00001.
gnomAD v4.1: 2 of 1,614,148 alleles (0.00012%); highest among the groups gnomAD compares: Non-Finnish European, 0.00017%; no homozygotes.

Submissions (4):

Ambry Genetics
Classification: Uncertain significance for Hereditary cancer-predisposing syndrome. Last evaluated: 2024-04-24. Review status: criteria provided, single submitter. Criteria: Ambry Variant Classification Scheme 2023. Collection method: clinical testing. Allele origin: germline.
Comment: The p.S143Y variant (also known as c.428C>A), located in coding exon 2 of the BLM gene, results from a C to A substitution at nucleotide position 428. The serine at codon 143 is replaced by tyrosine, an amino acid with dissimilar properties. This amino acid position is highly conserved in available vertebrate species. In addition, the in silico prediction for this alteration is inconclusive. Since supporting evidence is limited at this time, the clinical significance of this alteration remains unclear.

Labcorp Genetics (formerly Invitae), Labcorp
Classification: Uncertain significance for Bloom syndrome. Last evaluated: 2024-01-18. Review status: criteria provided, single submitter. Criteria: Invitae Variant Classification Sherloc (09022015). Collection method: clinical testing. Allele origin: germline.
Comment: This sequence change replaces serine, which is neutral and polar, with tyrosine, which is neutral and polar, at codon 143 of the BLM protein (p.Ser143Tyr). This variant is present in population databases (no rsID available, gnomAD 0.007%). This variant has not been reported in the literature in individuals affected with BLM-related conditions. ClinVar contains an entry for this variant (Variation ID: 864406). An algorithm developed to predict the effect of missense changes on protein structure and function (PolyPhen-2) suggests that this variant is likely to be disruptive. In summary, the available evidence is currently insufficient to determine the role of this variant in disease. Therefore, it has been classified as a Variant of Uncertain Significance.

PreventionGenetics, part of Exact Sciences
Classification: Uncertain significance for BLM-related condition. Last evaluated: 2024-01-25. Review status: no assertion criteria provided. Collection method: clinical testing. Allele origin: germline. Not counted in ClinVar's aggregate classification.
Comment: The BLM c.428C>A variant is predicted to result in the amino acid substitution p.Ser143Tyr. To our knowledge, this variant has not been reported in the literature or in a large population database, indicating this variant is rare. At this time, the clinical significance of this variant is uncertain due to the absence of conclusive functional and genetic evidence.

Natera, Inc.
Classification: Uncertain significance for Bloom syndrome. Last evaluated: 2021-07-19. Review status: no assertion criteria provided. Collection method: clinical testing. Allele origin: germline. Not counted in ClinVar's aggregate classification.